The following is an entry in ClinVar:

NM_173477.5(USH1G):c.111_112del (p.Trp38fs)

Gene: USH1G (USH1 protein network component sans; minus strand). Cytogenetic location: 17q25.1.
Variant type: Microsatellite.
Coding change: c.111_112del on transcript NM_173477.5 (MANE Select); coding-DNA positions 111 to 112, 2 bases deleted (CT; older notation c.111_112delCT).
Protein change: p.Trp38fs; shifts the reading frame from tryptophan 38.
Molecular consequence: frameshift variant. On other transcripts: 5 prime UTR variant (1).
Genome position (GRCh38, 1-based): chr17:74,922,962-74,922,963, AG deleted on the plus strand (CT on the coding strand, the reverse complement: USH1G is on the minus strand); deleting any 2 consecutive bases within chr17:74,922,962-74,922,967 gives the same sequence; the c. name uses the placement nearest the transcript's 3' end. VCF-style (leftmost placement, unchanged base first): chr17-74922961-CAG-C. GRCh37 (hg19) VCF-style: chr17-72919056-CAG-C.
Other names: c.-150CT[2] (NM_001282489.3); short protein forms W38fs.
Identifiers: ClinVar variation 964294 (VCV000964294.30), dbSNP rs1567941869, ClinGen allele CA627592540.

ClinVar aggregate classification (germline): Pathogenic. Review status: criteria provided, multiple submitters, no conflicts (2 of 4 stars). 2 submissions from 2 submitters: Pathogenic (2). Last evaluated 2026-01-19.

Submissions (2):

Labcorp Genetics (formerly Invitae), Labcorp
Classification: Pathogenic. Last evaluated: 2026-01-19. Review status: criteria provided, single submitter. Criteria: Invitae Variant Classification Sherloc (09022015). Collection method: clinical testing. Allele origin: germline.
Comment: This sequence change creates a premature translational stop signal (p.Trp38Glyfs*19) in the USH1G gene. It is expected to result in an absent or disrupted protein product. Loss-of-function variants in USH1G are known to be pathogenic (PMID: 12588794, 22219650). This variant is present in population databases (no rsID available, gnomAD 0.01%). This variant has not been reported in the literature in individuals affected with USH1G-related conditions. ClinVar contains an entry for this variant (Variation ID: 964294). For these reasons, this variant has been classified as Pathogenic.

CeGaT Center for Human Genetics Tuebingen
Classification: Pathogenic. Last evaluated: 2023-12-01. Review status: criteria provided, single submitter. Criteria: CeGaT Center For Human Genetics Tuebingen Variant Classification Criteria Version 2. Collection method: clinical testing. Allele origin: germline. Affected: yes. Observed: 1 variant allele.
Comment: USH1G: PVS1, PM2

Literature cited by the submitters: PubMed 12588794 (cited by Labcorp Genetics (formerly Invitae), Labcorp); PubMed 22219650 (cited by Labcorp Genetics (formerly Invitae), Labcorp).